The following is an entry in ClinVar:

NM_000051.4(ATM):c.8294G>T (p.Gly2765Val)

Genes: ATM (ATM serine/threonine kinase; plus strand), C11orf65 (chromosome 11 open reading frame 65; minus strand). Cytogenetic location: 11q22.3.
Variant type: single nucleotide variant.
Coding change: c.8294G>T on transcript NM_000051.4 (MANE Select); coding-DNA position 8294, G replaced by T.
Protein change: p.Gly2765Val; replaces glycine 2765 with valine.
Molecular consequence: missense variant. On other transcripts: intron variant (2).
Genome position (GRCh38, 1-based): chr11:108,343,247, G>T. VCF-style: chr11-108343247-G-T. GRCh37 (hg19) VCF-style: chr11-108213974-G-T.
Other names: c.8294G>T, p.Gly2765Val (NM_001351834.2); c.641-34176C>A (NM_001330368.2); c.695-7955C>A (NM_001351110.2); short protein forms G2765V.
Identifiers: ClinVar variation 827559 (VCV000827559.14), dbSNP rs1565557835, ClinGen allele CA382516331.

ClinVar aggregate classification (germline): Pathogenic/Likely pathogenic. Review status: criteria provided, multiple submitters, no conflicts (2 of 4 stars). 3 submissions from 3 submitters: Pathogenic (1); Likely pathogenic (2). Last evaluated 2026-07-30.

Conditions:
Hereditary cancer-predisposing syndrome. Also called: Tumor predisposition; Neoplastic Syndromes, Hereditary; Hereditary Cancer Syndrome; Hereditary neoplastic syndrome. Identifiers: Orphanet 140162, MedGen C0027672, MeSH D009386, MONDO:0015356.
Familial cancer of breast. Also called: Hereditary breast cancer; BREAST CANCER, FAMILIAL; hereditary breast carcinoma. Identifiers: Orphanet 227535, MedGen C0346153, MONDO:0016419, OMIM 114480. Disease mechanism: loss of function.
Ataxia-telangiectasia syndrome (AT). Also called: ATAXIA-TELANGIECTASIA, COMPLEMENTATION GROUP A; ATAXIA-TELANGIECTASIA, FRESNO VARIANT; Ataxia-telangiectasia; Ataxia-telangiectasia, complementation group D; AT, COMPLEMENTATION GROUP C; Ataxia-telangiectasia, complementation group E. Identifiers: Orphanet 100, MedGen C0004135, MONDO:0008840, OMIM 208900.

Submissions (3):

Myriad Genetics, Inc.
Classification: Likely pathogenic for Familial cancer of breast. Last evaluated: 2026-07-30. Review status: criteria provided, single submitter. Criteria: Myriad Autosomal Dominant, Autosomal Recessive and X-Linked Classification Criteria (2023). Collection method: clinical testing. Allele origin: unknown.
Comment: This variant is considered likely pathogenic. Functional studies indicate this variant impacts protein function [PMID: 40580951]. This variant is expected to disrupt protein structure [Myriad internal data]. This variant has been reported in an individual with clinical features of gene-specific disease [External communications 2026].

Ambry Genetics
Classification: Likely pathogenic for Hereditary cancer-predisposing syndrome. Last evaluated: 2025-11-17. Review status: criteria provided, single submitter. Criteria: Ambry Variant Classification Scheme 2023. Collection method: clinical testing. Allele origin: germline.
Comment: The p.G2765V variant (also known as c.8294G>T), located in coding exon 56 of the ATM gene, results from a G to T substitution at nucleotide position 8294. The glycine at codon 2765 is replaced by valine, an amino acid with dissimilar properties. This variant has been identified in conjunction with other variant(s) in this same gene in individual(s) with features consistent with ataxia-telangiectasia (External communication). In an assay testing ATM function, this variant showed a functionally abnormal (Lee KS et al. Cell, 2025 Sep;188:5081-5099.e27). This amino acid position is highly conserved in available vertebrate species. In addition, this alteration is predicted to be deleterious by in silico analysis. This amino acid position is highly conserved in available vertebrate species. In addition, this alteration is predicted to be deleterious by in silico analysis. This variant is considered to be rare based on population cohorts in the Genome Aggregation Database (gnomAD). Based on the majority of available evidence to date, this variant is likely to be pathogenic.

Labcorp Genetics (formerly Invitae), Labcorp
Classification: Pathogenic for Ataxia-telangiectasia syndrome. Last evaluated: 2025-07-28. Review status: criteria provided, single submitter. Criteria: Invitae Variant Classification Sherloc (09022015). Collection method: clinical testing. Allele origin: germline.
Comment: This sequence change replaces glycine, which is neutral and non-polar, with valine, which is neutral and non-polar, at codon 2765 of the ATM protein (p.Gly2765Val). This variant is not present in population databases (gnomAD no frequency). This missense change has been observed in individual(s) with clinical features of ataxia-telangiectasia (internal data). In at least one individual the data is consistent with being in trans (on the opposite chromosome) from a pathogenic variant. ClinVar contains an entry for this variant (Variation ID: 827559). Invitae Evidence Modeling of protein sequence and biophysical properties (such as structural, functional, and spatial information, amino acid conservation, physicochemical variation, residue mobility, and thermodynamic stability) indicates that this missense variant is expected to disrupt ATM protein function with a positive predictive value of 95%. This variant disrupts the p.Gly2765 amino acid residue in ATM. Other variant(s) that disrupt this residue have been determined to be pathogenic (PMID: 10534763, 19431188, 19781682, 21792198). This suggests that this residue is clinically significant, and that variants that disrupt this residue are likely to be disease-causing. For these reasons, this variant has been classified as Pathogenic.

Literature cited by the submitters: PubMed 40580951 (cited by Myriad Genetics, Inc. and Ambry Genetics); PubMed 10534763 (cited by Labcorp Genetics (formerly Invitae), Labcorp); PubMed 19431188 (cited by Labcorp Genetics (formerly Invitae), Labcorp); PubMed 19781682 (cited by Labcorp Genetics (formerly Invitae), Labcorp); PubMed 21792198 (cited by Labcorp Genetics (formerly Invitae), Labcorp).